The following is an entry in ClinVar:

NM_001126108.2(SLC12A3):c.2615_2633dup (p.Ile879fs)

Gene: SLC12A3 (solute carrier family 12 member 3; plus strand). Cytogenetic location: 16q13.
Variant type: Duplication.
Coding change: c.2615_2633dup on transcript NM_001126108.2 (MANE Select); coding-DNA positions 2615 to 2633, 19 bases duplicated (TGGACCAGGAGAGAAAGGC).
Protein change: p.Ile879fs; shifts the reading frame from isoleucine 879.
Molecular consequence: frameshift variant.
Genome position (GRCh38, 1-based): chr16:56,894,624-56,894,642, TGGACCAGGAGAGAAAGGC duplicated. VCF-style (leftmost placement, unchanged base first): chr16-56894623-A-ATGGACCAGGAGAGAAAGGC. GRCh37 (hg19) VCF-style: chr16-56928535-A-ATGGACCAGGAGAGAAAGGC.
Other names: c.2642_2660dup, p.Ile888fs (NM_000339.3); c.2639_2657dup, p.Ile887fs (NM_001126107.2); c.2612_2630dup, p.Ile878fs (NM_001410896.1); short protein forms I887fs, I888fs, I878fs, I879fs.
Identifiers: ClinVar variation 2825353 (VCV002825353.3), dbSNP rs2543542700, ClinGen allele CA2739266783.

ClinVar aggregate classification (germline): Pathogenic (1 of 4 stars; one submission).

Submission:

Labcorp Genetics (formerly Invitae), Labcorp
Classification: Pathogenic. Last evaluated: 2022-12-31. Review status: criteria provided, single submitter. Criteria: Invitae Variant Classification Sherloc (09022015). Collection method: clinical testing. Allele origin: germline.
Comment: For these reasons, this variant has been classified as Pathogenic. This variant has not been reported in the literature in individuals affected with SLC12A3-related conditions. This variant is not present in population databases (gnomAD no frequency). This sequence change creates a premature translational stop signal (p.Ile888Glyfs*20) in the SLC12A3 gene. It is expected to result in an absent or disrupted protein product. Loss-of-function variants in SLC12A3 are known to be pathogenic (PMID: 20848653, 22009145, 25841442).

Literature cited by the submitters: PubMed 20848653; PubMed 22009145; PubMed 25841442.